The following is an entry in ClinVar:

NM_006493.4(CLN5):c.188G>A (p.Arg63His)

Gene: CLN5 (CLN5 lysosomal BMP synthase; plus strand). Cytogenetic location: 13q22.3.
Variant type: single nucleotide variant.
Coding change: c.188G>A on transcript NM_006493.4 (MANE Select); coding-DNA position 188, G replaced by A.
Protein change: p.Arg63His; replaces arginine 63 with histidine.
Molecular consequence: missense variant.
Genome position (GRCh38, 1-based): chr13:76,995,077, G>A. VCF-style: chr13-76995077-G-A. GRCh37 (hg19) VCF-style: chr13-77569212-G-A.
Other names: R112H; c.335G>A, p.Arg112His (LRG_692t1); c.188G>A, p.Arg63His (NM_001366624.2); short protein forms R63H.
Identifiers: ClinVar variation 2567 (VCV000002567.25), dbSNP rs104894386, ClinGen allele CA252330.
Genomic context (GRCh38, chr13:76,995,077, plus strand): 5'-AGATTCATTTTAGAATCTAAGTAGATGGTTTCTTTTTCTTTATTAGGCGCTTTGACTTCC[G>A]TCCAAAACCTGATCCTTATTGTCAAGCTAAGTATACTTTCTGTCCAACTGGCTCACCTAT-3'
Protein context (NP_006484.2, residues 53-73): WPVPYKRFDF[Arg63His]PKPDPYCQAK

ClinVar aggregate classification (germline): Pathogenic/Likely pathogenic. Review status: criteria provided, multiple submitters, no conflicts (2 of 4 stars). 10 submissions from 10 submitters: Pathogenic (4); Likely pathogenic (5). 1 of the submissions does not count toward it. Last evaluated 2025-10-01.

Conditions:
Neuronal ceroid lipofuscinosis. Also called: Neuronal Ceroid Lipofuscinoses. Identifiers: Orphanet 216, Orphanet 79263, MedGen C0027877, MONDO:0016295. Disease mechanism: loss of function.
Neuronal ceroid lipofuscinosis 5 (CLN5). Also called: CLN5-Related Neuronal Ceroid-Lipofuscinosis; CEROID LIPOFUSCINOSIS, NEURONAL, 5, VARIABLE AGE AT ONSET; Neuronal ceroid lipofuscinosis Finnish variant; NEURONAL CEROID LIPOFUSCINOSIS, LATE INFANTILE, FINNISH VARIANT. Identifiers: Orphanet 168491, Orphanet 228360, MedGen C1850442, MONDO:0009745, OMIM 256731.

Allele frequency attached by ClinVar (database versions not stated): gnomAD exomes 0.00001; TOPMed 0.00002; gnomAD 0.00001; ExAC 0.00002.

Submissions (10):

Natera, Inc.
Classification: Likely pathogenic for Neuronal ceroid lipofuscinosis. Last evaluated: 2025-10-01. Review status: criteria provided, single submitter. Criteria: Natera Variant Classification Schema (03/2026). Collection method: clinical testing. Allele origin: germline.
Comment: The c.335G>A variant in CLN5 is a missense variant predicted to cause substitution of arginine to histidine at amino acid 112. This variant is rare in the general population with a frequency below the threshold expected for the associated phenotype(s). This variant has been observed in one or more individuals affected with the associated recessive disease, as either homozygous or compound heterozygous with a second variant (PMID: 39675099, 30078242). Additionally, this variant has been observed to segregate in affected family members (PMID: 15728307). Computational prediction algorithms indicate this variant is likely to affect gene or protein function. Given the available evidence, this variant is classified as Likely Pathogenic.

3billion
Classification: Pathogenic for Neuronal ceroid lipofuscinosis 5. Last evaluated: 2025-06-09. Review status: criteria provided, single submitter. Criteria: ACMG Guidelines, 2015. Collection method: clinical testing. Allele origin: germline. Affected: yes.
Comment: The variant is observed at an extremely low frequency in the gnomAD v4.1.0 dataset (total allele frequency: <0.001%). Predicted Consequence/Location: Missense variant. The majority of the known disease-causing variants of this gene are variants expected to result in premature termination of the protein. In silico tool predictions suggest damaging effect of the variant on gene or gene product [REVEL: 0.85 (>=0.6, sensitivity 0.68 and specificity 0.92)]. The same nucleotide change resulting in the same amino acid change has been previously reported as pathogenic/likely pathogenic with strong evidence (ClinVar ID: VCV000002567 /PMID: 15728307). Different missense changes at the same codon (p.Arg63Cys, p.Arg63Pro) have been reported as pathogenic/likely pathogenic with strong evidence (ClinVar ID: VCV000056533, VCV000190222 /PMID: 16814585, 30078242). Therefore, this variant is classified as Pathogenic according to the recommendation of ACMG/AMP guideline.

Department of Neurology, Zibo Changguo Hospital
Classification: Pathogenic for Neuronal ceroid lipofuscinosis 5. Last evaluated: 2025-01-10. Review status: criteria provided, single submitter. Criteria: ACMG Guidelines, 2015. Collection method: clinical testing. Allele origin: biparental. Inheritance: Autosomal recessive inheritance. Affected: yes. Observed: 1 homozygote.
Comment: PS3, PM3, PM5, PM2_Supporting, PP4

Labcorp Genetics (formerly Invitae), Labcorp
Classification: Pathogenic for Neuronal ceroid lipofuscinosis. Last evaluated: 2024-09-17. Review status: criteria provided, single submitter. Criteria: Invitae Variant Classification Sherloc (09022015). Collection method: clinical testing. Allele origin: germline.
Comment: This sequence change replaces arginine, which is basic and polar, with histidine, which is basic and polar, at codon 112 of the CLN5 protein (p.Arg112His). This variant is present in population databases (rs104894386, gnomAD 0.003%). This missense change has been observed in individuals with juvenile onset neuronal ceroid lipofuscinosis (PMID: 15728307, 28542837, 30078242). It has also been observed to segregate with disease in related individuals. ClinVar contains an entry for this variant (Variation ID: 2567). Invitae Evidence Modeling of protein sequence and biophysical properties (such as structural, functional, and spatial information, amino acid conservation, physicochemical variation, residue mobility, and thermodynamic stability) indicates that this missense variant is expected to disrupt CLN5 protein function with a positive predictive value of 80%. Experimental studies have shown that this missense change affects CLN5 function (PMID: 20052765). This variant disrupts the p.Arg112 amino acid residue in CLN5. Other variant(s) that disrupt this residue have been observed in individuals with CLN5-related conditions (PMID: 30078242), which suggests that this may be a clinically significant amino acid residue. For these reasons, this variant has been classified as Pathogenic.

GeneDx
Classification: Pathogenic. Last evaluated: 2024-06-04. Review status: criteria provided, single submitter. Criteria: GeneDx Variant Classification Process June 2021. Collection method: clinical testing. Allele origin: germline.
Comment: Published functional studies demonstrate a damaging effect as the R112H variant produces a protein unable to exit the endoplasmic reticulum (PMID: 20052765); Not observed at significant frequency in large population cohorts (gnomAD); In silico analysis supports that this missense variant has a deleterious effect on protein structure/function; Also known as p.(R63H) (PMID: 33792748); This variant is associated with the following publications: (PMID: 21990111, 15728307, 33792748, 30264640, 28542837, 30078242, 32983231, 38141358, 38231304, 20052765)

Women's Health and Genetics/Laboratory Corporation of America, LabCorp
Classification: Likely pathogenic for Neuronal ceroid lipofuscinosis. Last evaluated: 2023-08-28. Review status: criteria provided, single submitter. Criteria: LabCorp Variant Classification Summary - May 2015. Collection method: clinical testing. Allele origin: germline.
Comment: Variant summary: CLN5 c.188G>A (p.Arg63His), also referred to as p.Arg112His, results in a non-conservative amino acid change in the encoded protein sequence. Five of five in-silico tools predict a damaging effect of the variant on protein function. The variant allele was found at a frequency of 8e-06 in 251186 control chromosomes (gnomAD). c.188G>A has been reported in the literature in the homozygous state in two siblings and in at least one other unrelated individual affected with Neuronal Ceroid-Lipofuscinosis (Batten Disease) (e.g. Pineda-Trujilo_2005, Zhou_2018). These data indicate that the variant is likely to be associated with disease. At least one publication reports experimental evidence evaluating an impact on protein function, indicating that the variant protein primarily localizes to the ER as opposed to the lysosome, however, it does not allow convincing conclusions about the variant effect (Schmiedt_2010). Other variants affecting the same amino acid (i.e. p.Arg63Cys, p.Arg63Pro) have been reported in association with Neuronal Ceroid-Lipofuscinosis in the HGMD database, suggesting Arg63 may be important for protein function, but this has yet to be determined conclusively. The following publications have been ascertained in the context of this evaluation (PMID: 15728307, 20052765, 30078242). Four submitters have cited clinical-significance assessments for this variant to ClinVar after 2014. All submitters classified the variant as pathogenic/likely pathogenic. Based on the evidence outlined above, the variant was classified as likely pathogenic.

Genome-Nilou Lab
Classification: Likely pathogenic for Neuronal ceroid lipofuscinosis 5. Last evaluated: 2021-08-10. Review status: criteria provided, single submitter. Criteria: ACMG Guidelines, 2015. Collection method: clinical testing. Allele origin: germline. Affected: no.

Baylor Genetics
Classification: Likely pathogenic for Neuronal ceroid lipofuscinosis 5. Review status: criteria provided, single submitter. Criteria: ACMG Guidelines, 2015. Collection method: clinical testing. Allele origin: unknown.

Juno Genomics, Hangzhou Juno Genomics, Inc
Classification: Likely pathogenic for Neuronal ceroid lipofuscinosis 5. Review status: criteria provided, single submitter. Criteria: ACMG Guidelines, 2015. Collection method: clinical testing. Allele origin: germline.
Comment: Absent from controls (or at extremely low frequency if recessive) in Genome Aggregation Database.;Multiple lines of computational evidence support a deleterious effect on the gene or gene product.;For recessive disorders, detected in trans with a pathogenic variant.;Patient's phenotype or family history is highly specific for a disease with a single genetic etiology.

OMIM
Classification: Pathogenic for CEROID LIPOFUSCINOSIS, NEURONAL, 5. Last evaluated: 2005-02-22. Review status: no assertion criteria provided. Collection method: literature only. Allele origin: germline. Not counted in ClinVar's aggregate classification.

Literature cited by the submitters: PubMed 39675099 (cited by Natera, Inc.); PubMed 30078242 (cited by 3 submitters); PubMed 15728307 (cited by 5 submitters); PubMed 16814585 (cited by 3billion); PubMed 28542837 (cited by Labcorp Genetics (formerly Invitae), Labcorp); PubMed 20052765 (cited by Labcorp Genetics (formerly Invitae), Labcorp and Women's Health and Genetics/Laboratory Corporation of America, LabCorp).